The following is an entry in ClinVar:

ClinVar aggregate classification (germline): Uncertain significance (1 of 4 stars; one submission).

Conditions:
Polyhydramnios, megalencephaly, and symptomatic epilepsy (PMSE). Also called: PMSE SYNDROME. Identifiers: Orphanet 500533, MedGen C1970203, MONDO:0012611, OMIM 611087.

Allele frequency attached by ClinVar (database versions not stated): gnomAD exomes below 0.00001; TOPMed below 0.00001.
gnomAD v4.1: 10 of 1,609,954 alleles (0.00062%); highest among the groups gnomAD compares: Middle Eastern, 0.017%; 1 homozygote.

Submission:

Labcorp Genetics (formerly Invitae), Labcorp
Classification: Uncertain significance for Polyhydramnios, megalencephaly, and symptomatic epilepsy. Last evaluated: 2022-12-30. Review status: criteria provided, single submitter. Criteria: Invitae Variant Classification Sherloc (09022015). Collection method: clinical testing. Allele origin: germline.
Comment: This variant has not been reported in the literature in individuals affected with STRADA-related conditions. This sequence change replaces methionine, which is neutral and non-polar, with isoleucine, which is neutral and non-polar, at codon 312 of the STRADA protein (p.Met312Ile). This variant is present in population databases (no rsID available, gnomAD 0.002%). Algorithms developed to predict the effect of missense changes on protein structure and function (SIFT, PolyPhen-2, Align-GVGD) all suggest that this variant is likely to be tolerated. In summary, the available evidence is currently insufficient to determine the role of this variant in disease. Therefore, it has been classified as a Variant of Uncertain Significance.

NM_001003787.4(STRADA):c.936G>A (p.Met312Ile)

Gene: STRADA (STE20 related adaptor alpha; minus strand). Cytogenetic location: 17q23.3.
Variant type: single nucleotide variant.
Coding change: c.936G>A on transcript NM_001003787.4 (MANE Select); coding-DNA position 936, G replaced by A.
Protein change: p.Met312Ile; replaces methionine 312 with isoleucine.
Molecular consequence: missense variant. On other transcripts: non-coding transcript variant (1).
Genome position (GRCh38, 1-based): chr17:63,704,505, C>T on the plus strand (G>A on the coding strand, the complement: STRADA is on the minus strand). VCF-style: chr17-63704505-C-T. GRCh37 (hg19) VCF-style: chr17-61781865-C-T.
Other names: c.825G>A, p.Met275Ile (NM_001003786.3, NM_001363789.1, NM_153335.6); c.762G>A, p.Met254Ile (NM_001003788.3, NM_001363790.1, NM_001363791.1); c.849G>A, p.Met283Ile (NM_001165969.2, NM_001363787.1); c.804G>A, p.Met268Ile (NM_001165970.2); c.912G>A, p.Met304Ile (NM_001363786.1); c.936G>A, p.Met312Ile (NM_001363788.1); c.*374G>A (NM_001411083.1, NM_001411084.1); c.*385G>A (NM_001411085.1); short protein forms M275I, M268I, M312I, M254I, M283I, M304I.
Identifiers: ClinVar variation 2193796 (VCV002193796.3), dbSNP rs1213623226, ClinGen allele CA400588185.